The following is an entry in ClinVar:

ClinVar aggregate classification (germline): Benign (1 of 4 stars; one submission).

Conditions:
Hereditary spastic paraplegia 48. Also called: SPASTIC PARAPLEGIA 48, AUTOSOMAL RECESSIVE; Spastic paraplegia 48. Identifiers: Orphanet 306511, MedGen C3150901, MONDO:0013342, OMIM 613647.

Allele frequency attached by ClinVar (database versions not stated): 1000 Genomes Project 0.01957; gnomAD 0.02042; 1000 Genomes Project 30x 0.02155; TOPMed 0.02217.

Submission:

Illumina Laboratory Services, Illumina
Classification: Benign for Hereditary spastic paraplegia 48. Last evaluated: 2018-01-13. Review status: criteria provided, single submitter. Criteria: ICSL Variant Classification Criteria 13 December 2019. Collection method: clinical testing. Allele origin: germline.
Comment: This variant was observed in the ICSL laboratory as part of a predisposition screen in an ostensibly healthy population. It had not been previously curated by ICSL or reported in the Human Gene Mutation Database (HGMD: prior to June 1st, 2018), and was therefore a candidate for classification through an automated scoring system. Utilizing variant allele frequency, disease prevalence and penetrance estimates, and inheritance mode, an automated score was calculated to assess if this variant is too frequent to cause the disease. Based on the score and internal cut-off values, a variant classified as benign is not then subjected to further curation. The score for this variant resulted in a classification of benign for this disease.

NM_014855.3(AP5Z1):c.*2849G>T

Gene: AP5Z1 (adaptor related protein complex 5 subunit zeta 1; plus strand). Cytogenetic location: 7p22.1.
Variant type: single nucleotide variant.
Coding change: c.*2849G>T on transcript NM_014855.3 (MANE Select); 2849 bases downstream of the stop codon, G replaced by T.
Molecular consequence: 3 prime UTR variant. On other transcripts: non-coding transcript variant (1).
Genome position (GRCh38, 1-based): chr7:4,794,234, G>T. VCF-style: chr7-4794234-G-T. GRCh37 (hg19) VCF-style: chr7-4833865-G-T.
Other names: c.*2849G>T (LRG_1247t1, NM_001364858.1).
Identifiers: ClinVar variation 360418 (VCV000360418.5), dbSNP rs149076549, ClinGen allele CA10624107.